The following is an entry in ClinVar:

ClinVar aggregate classification (germline): Conflicting classifications of pathogenicity. Review status: criteria provided, conflicting classifications (1 of 4 stars). 4 submissions from 4 submitters: Uncertain significance (3); Likely benign (1). Last evaluated 2026-07-10.

Conditions:
Hereditary cancer-predisposing syndrome. Also called: Neoplastic Syndromes, Hereditary; Hereditary Cancer Syndrome; Tumor predisposition; Hereditary neoplastic syndrome. Identifiers: Orphanet 140162, MedGen C0027672, MeSH D009386, MONDO:0015356.
Familial cancer of breast. Also called: Hereditary breast cancer; BREAST CANCER, FAMILIAL; hereditary breast carcinoma. Identifiers: Orphanet 227535, MedGen C0346153, MONDO:0016419, OMIM 114480. Disease mechanism: loss of function.
Ataxia-telangiectasia syndrome (AT). Also called: LOUIS-BAR SYNDROME; Cerebello-oculocutaneous telangiectasia; Immunodeficiency with ataxia telangiectasia; Ataxia-telangiectasia, complementation group D; AT, COMPLEMENTATION GROUP C; Ataxia-telangiectasia, complementation group E. Identifiers: Orphanet 100, MedGen C0004135, MONDO:0008840, OMIM 208900.

Submissions (4):

Ambry Genetics
Classification: Likely benign for Hereditary cancer-predisposing syndrome. Last evaluated: 2026-07-10. Review status: criteria provided, single submitter. Criteria: Ambry Variant Classification Scheme 2023. Collection method: clinical testing. Allele origin: germline.

Labcorp Genetics (formerly Invitae), Labcorp
Classification: Uncertain significance for Ataxia-telangiectasia syndrome. Last evaluated: 2025-11-23. Review status: criteria provided, single submitter. Criteria: Invitae Variant Classification Sherloc (09022015). Collection method: clinical testing. Allele origin: germline.
Comment: This sequence change replaces histidine, which is basic and polar, with tyrosine, which is neutral and polar, at codon 2673 of the ATM protein (p.His2673Tyr). This variant is not present in population databases (gnomAD no frequency). This missense change has been observed in individual(s) with prostate cancer (PMID: 31214711). ClinVar contains an entry for this variant (Variation ID: 453718). Invitae Evidence Modeling of protein sequence and biophysical properties (such as structural, functional, and spatial information, amino acid conservation, physicochemical variation, residue mobility, and thermodynamic stability) indicates that this missense variant is not expected to disrupt ATM protein function with a negative predictive value of 95%. In summary, the available evidence is currently insufficient to determine the role of this variant in disease. Therefore, it has been classified as a Variant of Uncertain Significance.

Color Diagnostics, LLC DBA Color Health
Classification: Uncertain significance for Hereditary cancer-predisposing syndrome. Last evaluated: 2025-02-19. Review status: criteria provided, single submitter. Criteria: ACMG Guidelines, 2015. Collection method: clinical testing. Allele origin: germline.
Comment: This missense variant replaces histidine with tyrosine at codon 2673 of the ATM protein. Computational prediction suggests that this variant may not impact protein structure and function. To our knowledge, functional studies have not been reported for this variant. This variant has been reported in an individual affected with prostate cancer (PMID: 31214711). This variant has not been identified in the general population by the Genome Aggregation Database (gnomAD). The available evidence is insufficient to determine the role of this variant in disease conclusively. Therefore, this variant is classified as a Variant of Uncertain Significance.

Baylor Genetics
Classification: Uncertain significance for Familial cancer of breast. Last evaluated: 2024-03-05. Review status: criteria provided, single submitter. Criteria: ACMG Guidelines, 2015. Collection method: clinical testing. Allele origin: unknown.

Literature cited by the submitters: PubMed 40580951 (cited by Ambry Genetics); PubMed 31214711 (cited by Labcorp Genetics (formerly Invitae), Labcorp and Color Diagnostics, LLC DBA Color Health).

NM_000051.4(ATM):c.8017C>T (p.His2673Tyr)

Genes: ATM (ATM serine/threonine kinase; plus strand), C11orf65 (chromosome 11 open reading frame 65; minus strand). Cytogenetic location: 11q22.3.
Variant type: single nucleotide variant.
Coding change: c.8017C>T on transcript NM_000051.4 (MANE Select); coding-DNA position 8017, C replaced by T.
Protein change: p.His2673Tyr; replaces histidine 2673 with tyrosine.
Molecular consequence: missense variant. On other transcripts: intron variant (2).
Genome position (GRCh38, 1-based): chr11:108,334,975, C>T. VCF-style: chr11-108334975-C-T. GRCh37 (hg19) VCF-style: chr11-108205702-C-T.
Other names: c.8017C>T, p.His2673Tyr (NM_001351834.2); c.641-25904G>A (NM_001330368.2); c.*38+245G>A (NM_001351110.2); short protein forms H2673Y.
Identifiers: ClinVar variation 453718 (VCV000453718.16), dbSNP rs1555127035, ClinGen allele CA382561848.